The following is an entry in ClinVar:

NM_001358921.2(COQ2):c.676G>T (p.Gly226Cys)

Gene: COQ2 (coenzyme Q2, polyprenyltransferase; minus strand). Cytogenetic location: 4q21.23.
Variant type: single nucleotide variant.
Coding change: c.676G>T on transcript NM_001358921.2 (MANE Select); coding-DNA position 676, G replaced by T.
Protein change: p.Gly226Cys; replaces glycine 226 with cysteine.
Molecular consequence: missense variant.
Genome position (GRCh38, 1-based): chr4:83,269,946, C>A on the plus strand (G>T on the coding strand, the complement: COQ2 is on the minus strand). VCF-style: chr4-83269946-C-A. GRCh37 (hg19) VCF-style: chr4-84191099-C-A.
Other names: c.826G>T (NM_015697.8); c.826G>T, p.Gly276Cys (NM_015697.9); short protein forms G226C, G276C.
Identifiers: ClinVar variation 1373039 (VCV001373039.7), dbSNP rs553681443, ClinGen allele CA2988525.

ClinVar aggregate classification (germline): Uncertain significance. Review status: criteria provided, multiple submitters, no conflicts (2 of 4 stars). 5 submissions from 5 submitters: Uncertain significance (5). Last evaluated 2025-08-06.

Conditions:
Multiple system atrophy 1, susceptibility to. Also called: MSA1, SUSCEPTIBILITY TO. Identifiers: MedGen C3714927, MONDO:0020715, OMIM 146500.
Coenzyme Q10 deficiency, primary, 1. Also called: UBIQUINONE DEFICIENCY 1; COENZYME Q DEFICIENCY 1; CoQ DEFICIENCY 1. Identifiers: Orphanet 255249, MedGen C3551954, MONDO:0011829, OMIM 607426.
Inborn genetic diseases. Identifiers: MedGen C0950123, MeSH D030342.
COQ2-related disorder. Also called: COQ2-related condition.

Allele frequency attached by ClinVar (database versions not stated): gnomAD exomes 0.00002; ExAC 0.00003; 1000 Genomes Project 0.00040; 1000 Genomes Project 30x 0.00047.
gnomAD v4.1: 28 of 1,613,540 alleles (0.0017%); highest among the groups gnomAD compares: African/African-American, 0.032%; no homozygotes.

Submissions (5):

PreventionGenetics, part of Exact Sciences
Classification: Uncertain significance for COQ2-related condition. Last evaluated: 2025-08-06. Review status: criteria provided, single submitter. Criteria: ACMG Guidelines, 2015. Collection method: clinical testing. Allele origin: germline.
Comment: The COQ2 c.826G>T variant is predicted to result in the amino acid substitution p.Gly276Cys. To our knowledge, this variant has not been reported in the literature. This variant is reported in 0.025% of alleles in individuals of African descent in gnomAD. At this time, the clinical significance of this variant is uncertain due to the absence of conclusive functional and genetic evidence.

GeneDx
Classification: Uncertain significance. Last evaluated: 2022-11-02. Review status: criteria provided, single submitter. Criteria: GeneDx Variant Classification Process June 2021. Collection method: clinical testing. Allele origin: germline. Affected: yes.
Comment: In silico analysis supports that this missense variant has a deleterious effect on protein structure/function; Has not been previously published as pathogenic or benign to our knowledge

Fulgent Genetics
Classification: Uncertain significance for Multiple system atrophy 1, susceptibility to; Coenzyme Q10 deficiency, primary, 1. Last evaluated: 2022-04-27. Review status: criteria provided, single submitter. Criteria: ACMG Guidelines, 2015. Collection method: clinical testing. Allele origin: unknown.

Ambry Genetics
Classification: Uncertain significance for Inborn genetic diseases. Last evaluated: 2022-04-18. Review status: criteria provided, single submitter. Criteria: Ambry Variant Classification Scheme 2023. Collection method: clinical testing. Allele origin: germline.

Labcorp Genetics (formerly Invitae), Labcorp
Classification: Uncertain significance. Last evaluated: 2022-04-01. Review status: criteria provided, single submitter. Criteria: Invitae Variant Classification Sherloc (09022015). Collection method: clinical testing. Allele origin: germline.
Comment: This sequence change replaces glycine, which is neutral and non-polar, with cysteine, which is neutral and slightly polar, at codon 276 of the COQ2 protein (p.Gly276Cys). This variant is present in population databases (rs553681443, gnomAD 0.03%). This variant has not been reported in the literature in individuals affected with COQ2-related conditions. Algorithms developed to predict the effect of missense changes on protein structure and function (SIFT, PolyPhen-2, Align-GVGD) all suggest that this variant is likely to be disruptive. In summary, the available evidence is currently insufficient to determine the role of this variant in disease. Therefore, it has been classified as a Variant of Uncertain Significance.